The following is an entry in ClinVar:

ClinVar aggregate classification (germline): Uncertain significance (1 of 4 stars; one submission).

Conditions:
Fabry disease. Also called: ALPHA-GALACTOSIDASE A DEFICIENCY; ANDERSON-FABRY DISEASE; CERAMIDE TRIHEXOSIDASE DEFICIENCY; GLA DEFICIENCY; HEREDITARY DYSTOPIC LIPIDOSIS; Angiokeratoma corporis diffusum. Identifiers: Orphanet 324, MedGen C0002986, MONDO:0010526, OMIM 301500, HP:0001071. Disease mechanism: Fabry disease is due to inactivating mutations in the X-linked GLA gene resulting in deficiency of the enzyme Alpha Galactosidase-A., loss of function.

Submission:

Genomenon, Inc
Classification: Uncertain significance for Fabry disease. Last evaluated: 2026-09-08. Review status: criteria provided, single submitter. Criteria: Genomenon Sequence Variant Interpretation Standards - Updated. Collection method: curation. Allele origin: germline. Affected: yes.
Comment: GLA p.Trp24Gly (c.70T>G) is a missense variant that changes the amino acid at codon 24 from Tryptophan to Glycine. This variant has been observed in at least one proband with clinical features consistent with Fabry disease (PMID:18954370). Functional or patient cell studies have been reported (PMID:18954370;27657681). It is absent or not present at a significant frequency in gnomAD. In conclusion, we classify GLA p.Trp24Gly (c.70T>G) as a variant of uncertain significance.

Literature cited by the submitters: PubMed 18954370; PubMed 27657681.

NM_000169.3(GLA):c.70T>G (p.Trp24Gly)

Genes: GLA (galactosidase alpha; minus strand), RPL36A-HNRNPH2 (RPL36A-HNRNPH2 readthrough; plus strand). Cytogenetic location: Xq22.1.
Variant type: single nucleotide variant.
Coding change: c.70T>G on transcript NM_000169.3 (MANE Select); coding-DNA position 70, T replaced by G.
Protein change: p.Trp24Gly; replaces tryptophan 24 with glycine.
Molecular consequence: missense variant. On other transcripts: non-coding transcript variant (3), intron variant (2).
Genome position (GRCh38, 1-based): chrX:101,407,834, A>C on the plus strand (T>G on the coding strand, the complement: GLA is on the minus strand). VCF-style: chrX-101407834-A-C. GRCh37 (hg19) VCF-style: chrX-100662822-A-C.
Other names: c.70T>G, p.Trp24Gly (NM_001406747.1, NM_001406748.1, NM_001406749.1); c.301-4102A>C (NM_001199973.2); c.178-4102A>C (NM_001199974.2); short protein forms W24G.
Identifiers: ClinVar variation 4087388 (VCV004087388.2).